The following is an entry in ClinVar:

NM_001379286.1(ZNF423):c.61G>A (p.Asp21Asn)

Gene: ZNF423 (zinc finger protein 423; minus strand). Cytogenetic location: 16q12.1.
Variant type: single nucleotide variant.
Coding change: c.61G>A on transcript NM_001379286.1 (MANE Select); coding-DNA position 61, G replaced by A.
Protein change: p.Asp21Asn; replaces aspartic acid 21 with asparagine.
Molecular consequence: missense variant. On other transcripts: 5 prime UTR variant (1).
Genome position (GRCh38, 1-based): chr16:49,789,526, C>T on the plus strand (G>A on the coding strand, the complement: ZNF423 is on the minus strand). VCF-style: chr16-49789526-C-T. GRCh37 (hg19) VCF-style: chr16-49823437-C-T.
Other names: c.-144G>A (NM_001271620.2); c.37G>A, p.Asp13Asn (NM_015069.5); short protein forms D21N, D13N.
Identifiers: ClinVar variation 1957909 (VCV001957909.5), dbSNP rs369012195, ClinGen allele CA396110793.
Genomic context (GRCh38, chr16:49,789,526, plus strand): 5'-CACCAGCCCCCGGGCATTTACCTGCTGCTGTCACGGAGGAATCCCAGGCCAGCGAGAAGT[C>T]TGAGGCCTCCCCCTCTTCAACTGAAAGAGAGAACAGAGATGGGCCTGTGAGTTTGAAGGC-3'
Protein context (NP_001366215.1, residues 11-31): SVKVEEGEAS[Asp21Asn]FSLAWDSSVT

ClinVar aggregate classification (germline): Uncertain significance (1 of 4 stars; one submission).

Conditions:
Nephronophthisis 14 (NPHP14). Identifiers: Orphanet 2318, MedGen C3539071, MONDO:0013916, OMIM 614844.

Allele frequency attached by ClinVar (database versions not stated): gnomAD 0.00001.

Submission:

Labcorp Genetics (formerly Invitae), Labcorp
Classification: Uncertain significance for Nephronophthisis 14. Last evaluated: 2022-06-03. Review status: criteria provided, single submitter. Criteria: Invitae Variant Classification Sherloc (09022015). Collection method: clinical testing. Allele origin: germline.
Comment: In summary, the available evidence is currently insufficient to determine the role of this variant in disease. Therefore, it has been classified as a Variant of Uncertain Significance. Algorithms developed to predict the effect of missense changes on protein structure and function are either unavailable or do not agree on the potential impact of this missense change (SIFT: "Deleterious"; PolyPhen-2: "Benign"; Align-GVGD: "Class C0"). This variant has not been reported in the literature in individuals affected with ZNF423-related conditions. This variant is not present in population databases (gnomAD no frequency). This sequence change replaces aspartic acid, which is acidic and polar, with asparagine, which is neutral and polar, at codon 13 of the ZNF423 protein (p.Asp13Asn).